The following is an entry in ClinVar:

NM_001384140.1(PCDH15):c.3782A>C (p.Glu1261Ala)

Gene: PCDH15 (protocadherin related 15; minus strand). Cytogenetic location: 10q21.1.
Variant type: single nucleotide variant.
Coding change: c.3782A>C on transcript NM_001384140.1 (MANE Select); coding-DNA position 3782, A replaced by C.
Protein change: p.Glu1261Ala; replaces glutamic acid 1261 with alanine.
Molecular consequence: missense variant.
Genome position (GRCh38, 1-based): chr10:53,857,199, T>G on the plus strand (A>C on the coding strand, the complement: PCDH15 is on the minus strand). VCF-style: chr10-53857199-T-G. GRCh37 (hg19) VCF-style: chr10-55616959-T-G.
Other names: c.3797A>C, p.Glu1266Ala (NM_001142763.2, NM_001142771.2); c.3782A>C, p.Glu1261Ala (NM_001142764.2, NM_001142766.2, NM_001142770.3 and 4 more transcripts); c.3569A>C, p.Glu1190Ala (NM_001142765.2); c.3671A>C, p.Glu1224Ala (NM_001142767.2); c.3716A>C, p.Glu1239Ala (NM_001142768.2, NM_001142773.2, NM_001354404.2); c.3818A>C, p.Glu1273Ala (NM_001142769.4); c.3803A>C, p.Glu1268Ala (NM_001354411.2); short protein forms E1261A, E1224A, E1266A, E1239A, E1268A, E1273A, E1190A.
Identifiers: ClinVar variation 300179 (VCV000300179.6), dbSNP rs201106387, ClinGen allele CA10631833.
Genomic context (GRCh38, chr10:53,857,199, plus strand): 5'-ATAAAAATAAATATATAAGGAGACAAAATCAATTACTCTGTAAGATCTTCTATCTTTTTT[T>G]CCACTAGAGTAGGAGGCACATTGGAAACAATGACTTGCATATCCAGCTGATTGACCACGG-3'
Protein context (NP_001371069.1, residues 1251-1271): IVSNVPPTLV[Glu1261Ala]KKIEDLTEIL

ClinVar aggregate classification (germline): Uncertain significance. Review status: criteria provided, multiple submitters, no conflicts (2 of 4 stars). 2 submissions from 2 submitters: Uncertain significance (2). Last evaluated 2022-06-27.

Conditions:
Usher syndrome type 1 (USH1). Also called: RETINITIS PIGMENTOSA AND CONGENITAL DEAFNESS. Identifiers: Orphanet 231169, Orphanet 886, MedGen C1568247, MONDO:0010168, OMIM 276900.

Allele frequency attached by ClinVar (database versions not stated): gnomAD exomes below 0.00001.
gnomAD v4.1: 4 of 1,607,792 alleles (0.00025%); highest among the groups gnomAD compares: South Asian, 0.0033%; no homozygotes.

Submissions (2):

Labcorp Genetics (formerly Invitae), Labcorp
Classification: Uncertain significance. Last evaluated: 2022-06-27. Review status: criteria provided, single submitter. Criteria: Invitae Variant Classification Sherloc (09022015). Collection method: clinical testing. Allele origin: germline.
Comment: This sequence change replaces glutamic acid, which is acidic and polar, with alanine, which is neutral and non-polar, at codon 1261 of the PCDH15 protein (p.Glu1261Ala). This variant is present in population databases (rs201106387, gnomAD 0.003%). This variant has not been reported in the literature in individuals affected with PCDH15-related conditions. ClinVar contains an entry for this variant (Variation ID: 300179). Algorithms developed to predict the effect of missense changes on protein structure and function are either unavailable or do not agree on the potential impact of this missense change (SIFT: "Tolerated"; PolyPhen-2: "Possibly Damaging"; Align-GVGD: "Class C25"). In summary, the available evidence is currently insufficient to determine the role of this variant in disease. Therefore, it has been classified as a Variant of Uncertain Significance.

Illumina Laboratory Services, Illumina
Classification: Uncertain significance for Usher syndrome type 1. Last evaluated: 2018-01-13. Review status: criteria provided, single submitter. Criteria: ICSL Variant Classification Criteria 13 December 2019. Collection method: clinical testing. Allele origin: germline.